The following is an entry in ClinVar:

ClinVar aggregate classification (germline): Uncertain significance. Review status: criteria provided, multiple submitters, no conflicts (2 of 4 stars). 2 submissions from 2 submitters: Uncertain significance (2). Last evaluated 2025-10-30.

Conditions:
Neurodevelopmental disorder with speech impairment and with or without seizures. Also called: Neurodevelopmental disorder with variable intellectual disability and speech impairment, with or without seizures. Identifiers: MedGen C5774252, MONDO:0859313, OMIM 620114.

gnomAD v4.1: 4 of 1,555,798 alleles (0.00026%); highest among the groups gnomAD compares: Non-Finnish European, 0.00035%; no homozygotes.

Submissions (2):

Ambry Genetics
Classification: Uncertain significance. Last evaluated: 2025-10-30. Review status: criteria provided, single submitter. Criteria: Ambry Variant Classification Scheme 2023. Collection method: clinical testing. Allele origin: germline.

New York Genome Center
Classification: Uncertain significance for Neurodevelopmental disorder with speech impairment and with or without seizures. Last evaluated: 2023-05-30. Review status: criteria provided, single submitter. Criteria: NYGC Assertion Criteria 2020. Collection method: clinical testing. Allele origin: germline. Observed: 1 heterozygote.
Comment: The c.2926G>C variant in CACNA1I has not previously been reported in the literature or public variant repositories (ClinVar and LOVD) and is absent from population databases (gnomAD v2.1.1 and v3.1.2, TOPMed Freeze 8), suggesting it is not a common benign variant in the populations represented in those databases. The c.2926G>C variant in CACNA1I is located in exon 17 of this 37-exon gene and predicted to replace a moderately conserved glycine amino acid with arginine at position 976 of the encoded protein. In silico predictions are inconclusive of the p.(Gly976Arg) variant’s effect [(CADD v1.6 = 25.3, REVEL = 0.49)]; however, there are no functional studies to support or refute these predictions. Based on available evidence this c.2926G>C p.(Gly976Arg) variant identified in CACNA1I is classified here as Variant of Uncertain Significance.

NM_021096.4(CACNA1I):c.2926G>C (p.Gly976Arg)

Gene: CACNA1I (calcium voltage-gated channel subunit alpha1 I; plus strand). Cytogenetic location: 22q13.1.
Variant type: single nucleotide variant.
Coding change: c.2926G>C on transcript NM_021096.4 (MANE Select); coding-DNA position 2926, G replaced by C.
Protein change: p.Gly976Arg; replaces glycine 976 with arginine.
Molecular consequence: missense variant.
Genome position (GRCh38, 1-based): chr22:39,661,989, G>C. VCF-style: chr22-39661989-G-C. GRCh37 (hg19) VCF-style: chr22-40057994-G-C.
Other names: c.2821G>C, p.Gly941Arg (NM_001003406.2); short protein forms G941R, G976R.
Identifiers: ClinVar variation 2665028 (VCV002665028.2), dbSNP rs986674279, ClinGen allele CA324468573.